The following is an entry in ClinVar:

ClinVar aggregate classification (germline): Uncertain significance (1 of 4 stars; one submission).

Allele frequency attached by ClinVar (database versions not stated): ExAC 0.00003; gnomAD exomes 0.00003; gnomAD 0.00008; TOPMed 0.00010.
gnomAD v4.1: 63 of 1,613,906 alleles (0.0039%); highest among the groups gnomAD compares: Admixed American, 0.02%; no homozygotes.

Submission:

Labcorp Genetics (formerly Invitae), Labcorp
Classification: Uncertain significance. Last evaluated: 2023-11-07. Review status: criteria provided, single submitter. Criteria: Invitae Variant Classification Sherloc (09022015). Collection method: clinical testing. Allele origin: germline.
Comment: This sequence change replaces valine, which is neutral and non-polar, with isoleucine, which is neutral and non-polar, at codon 2380 of the FAT1 protein (p.Val2380Ile). This variant is present in population databases (rs201352448, gnomAD 0.01%). This variant has not been reported in the literature in individuals affected with FAT1-related conditions. ClinVar contains an entry for this variant (Variation ID: 2146698). Advanced modeling of protein sequence and biophysical properties (such as structural, functional, and spatial information, amino acid conservation, physicochemical variation, residue mobility, and thermodynamic stability) performed at Invitae indicates that this missense variant is not expected to disrupt FAT1 protein function with a negative predictive value of 80%. In summary, the available evidence is currently insufficient to determine the role of this variant in disease. Therefore, it has been classified as a Variant of Uncertain Significance.

NM_005245.4(FAT1):c.7138G>A (p.Val2380Ile)

Gene: FAT1 (FAT atypical cadherin 1; minus strand). Cytogenetic location: 4q35.2.
Variant type: single nucleotide variant.
Coding change: c.7138G>A on transcript NM_005245.4 (MANE Select); coding-DNA position 7138, G replaced by A.
Protein change: p.Val2380Ile; replaces valine 2380 with isoleucine.
Molecular consequence: missense variant.
Genome position (GRCh38, 1-based): chr4:186,619,448, C>T on the plus strand (G>A on the coding strand, the complement: FAT1 is on the minus strand). VCF-style: chr4-186619448-C-T. GRCh37 (hg19) VCF-style: chr4-187540602-C-T.
Other names: short protein forms V2380I.
Identifiers: ClinVar variation 2146698 (VCV002146698.3), dbSNP rs201352448, ClinGen allele CA3166114.
Genomic context (GRCh38, chr4:186,619,448, plus strand): 5'-TAATTCTGGCTTCATAAATCTGTTGTTCAAAGAGTGGTGGATTATCATTGAGGTCGGTAA[C>T]GTCCACCGTGACAATCACATCACTGCTCAGCGTGGGCATACCACCATCAACTGCCCTCAC-3'
Protein context (NP_005236.2, residues 2370-2390): LSSDVIVTVD[Val2380Ile]TDLNDNPPLF